The following is an entry in ClinVar:

ClinVar aggregate classification (germline): Uncertain significance. Review status: criteria provided, multiple submitters, no conflicts (2 of 4 stars). 2 submissions from 2 submitters: Uncertain significance (2). Last evaluated 2023-11-03.

Conditions:
Hereditary cancer-predisposing syndrome. Also called: Neoplastic Syndromes, Hereditary; Tumor predisposition; Hereditary Cancer Syndrome; Hereditary neoplastic syndrome. Identifiers: Orphanet 140162, MedGen C0027672, MeSH D009386, MONDO:0015356.
Ataxia-telangiectasia-like disorder 1 (ATLD1). Identifiers: Orphanet 251347, MedGen C4012790, MONDO:0024557, OMIM 604391.

Allele frequency attached by ClinVar (database versions not stated): TOPMed below 0.00001; gnomAD 0.00001.
gnomAD v4.1: 1 of 1,612,564 alleles (0.000062%); highest among the groups gnomAD compares: Admixed American, 0.0017%; no homozygotes.

Submissions (2):

Ambry Genetics
Classification: Uncertain significance for Hereditary cancer-predisposing syndrome. Last evaluated: 2023-11-03. Review status: criteria provided, single submitter. Criteria: Ambry Variant Classification Scheme 2023. Collection method: clinical testing. Allele origin: germline.
Comment: The p.N639T variant (also known as c.1916A>C), located in coding exon 16 of the MRE11A gene, results from an A to C substitution at nucleotide position 1916. The asparagine at codon 639 is replaced by threonine, an amino acid with similar properties. This amino acid position is conserved. In addition, this alteration is predicted to be tolerated by in silico analysis. Since supporting evidence is limited at this time, the clinical significance of this alteration remains unclear.

Baylor Genetics
Classification: Uncertain significance for Ataxia-telangiectasia-like disorder 1. Last evaluated: 2023-08-02. Review status: criteria provided, single submitter. Criteria: ACMG Guidelines, 2015. Collection method: clinical testing. Allele origin: unknown.

NM_005591.4(MRE11):c.1916A>C (p.Asn639Thr)

Gene: MRE11 (MRE11 double strand break repair nuclease; minus strand). Cytogenetic location: 11q21.
Variant type: single nucleotide variant.
Coding change: c.1916A>C on transcript NM_005591.4 (MANE Select); coding-DNA position 1916, A replaced by C.
Protein change: p.Asn639Thr; replaces asparagine 639 with threonine.
Molecular consequence: missense variant.
Genome position (GRCh38, 1-based): chr11:94,437,187, T>G on the plus strand (A>C on the coding strand, the complement: MRE11 is on the minus strand). VCF-style: chr11-94437187-T-G. GRCh37 (hg19) VCF-style: chr11-94170353-T-G.
Other names: c.1913A>C, p.Asn638Thr (NM_001330347.2); c.1832A>C, p.Asn611Thr (NM_005590.4); short protein forms N611T, N638T, N639T.
Identifiers: ClinVar variation 2676684 (VCV002676684.2), dbSNP rs1330456262, ClinGen allele CA382374621.